The following is an entry in ClinVar:

ClinVar aggregate classification (germline): Likely pathogenic (1 of 4 stars; one submission).

Conditions:
Dilated cardiomyopathy 1G (CMD1G). Identifiers: Orphanet 154, MedGen C1858763, MONDO:0011400, OMIM 604145.
Autosomal recessive limb-girdle muscular dystrophy type 2J (LGMDR10). Also called: Limb-girdle muscular dystrophy, type 2J; MUSCULAR DYSTROPHY, LIMB-GIRDLE, AUTOSOMAL RECESSIVE 10. Identifiers: Orphanet 140922, MedGen C1837342, MONDO:0012127, OMIM 608807.

Submission:

Labcorp Genetics (formerly Invitae), Labcorp
Classification: Likely pathogenic for Dilated cardiomyopathy 1G; Autosomal recessive limb-girdle muscular dystrophy type 2J. Last evaluated: 2022-08-09. Review status: criteria provided, single submitter. Criteria: Invitae Variant Classification Sherloc (09022015). Collection method: clinical testing. Allele origin: germline.
Comment: This sequence change creates a premature translational stop signal (p.Val30694Cysfs*5) in the TTN gene. While this is not anticipated to result in nonsense mediated decay, it is expected to create a truncated TTN protein. This variant is located in the A band of TTN (PMID: 25589632). Truncating variants in this region are significantly overrepresented in patients affected with dilated cardiomyopathy (PMID: 25589632). Truncating variants in this region have also been reported in individuals affected with autosomal recessive centronuclear myopathy (PMID: 23975875). In summary, the currently available evidence indicates that the variant is pathogenic, but additional data are needed to prove that conclusively. Therefore, this variant has been classified as Likely Pathogenic. ClinVar contains an entry for this variant (Variation ID: 1067950). This variant has not been reported in the literature in individuals affected with TTN-related conditions. This variant is not present in population databases (gnomAD no frequency).

Literature cited by the submitters: PubMed 25589632; PubMed 23975875.

NM_001267550.2(TTN):c.92079dup (p.Val30694fs)

Genes: TTN-AS1 (TTN antisense RNA 1; plus strand), TTN (titin; minus strand). Cytogenetic location: 2q31.2.
Variant type: Duplication.
Coding change: c.92079dup on transcript NM_001267550.2 (MANE Select); coding-DNA position 92079, one base duplicated (T; older notation c.92079dupT).
Protein change: p.Val30694fs; shifts the reading frame from valine 30694.
Molecular consequence: frameshift variant.
Genome position (GRCh38, 1-based): chr2:178,549,643, A duplicated on the plus strand (T on the coding strand, the reverse complement: TTN is on the minus strand). VCF-style (leftmost placement, unchanged base first): chr2-178549642-C-CA. GRCh37 (hg19) VCF-style: chr2-179414369-C-CA.
Other names: c.87156dup, p.Val29053fs (NM_001256850.1); c.64884dup, p.Val21629fs (NM_003319.4); c.84375dup, p.Val28126fs (NM_133378.4); c.65259dup, p.Val21754fs (NM_133432.3); c.65460dup, p.Val21821fs (NM_133437.4); short protein forms V21629fs, V21754fs, V21821fs, V28126fs, V29053fs, V30694fs.
Identifiers: ClinVar variation 1067950 (VCV001067950.9), dbSNP rs2154148371, ClinGen allele CA2499215312.